The following is an entry in ClinVar:

NM_003227.4(TFR2):c.2277dup (p.Gly760fs)

Gene: TFR2 (transferrin receptor 2; minus strand). Cytogenetic location: 7q22.1.
Variant type: Duplication.
Coding change: c.2277dup on transcript NM_003227.4 (MANE Select); coding-DNA position 2277, one base duplicated (C; older notation c.2277dupC).
Protein change: p.Gly760fs; shifts the reading frame from glycine 760.
Molecular consequence: frameshift variant.
Genome position (GRCh38, 1-based): chr7:100,620,986, G duplicated on the plus strand (C on the coding strand, the reverse complement: TFR2 is on the minus strand); the first of 5 consecutive G bases (chr7:100,620,986-100,620,990); duplicating any one gives the same sequence. VCF-style (leftmost placement, unchanged base first): chr7-100620985-C-CG. GRCh37 (hg19) VCF-style: chr7-100218608-C-CG.
Other names: c.1764dup, p.Gly589fs (NM_001206855.3); short protein forms G589fs, G760fs.
Identifiers: ClinVar variation 4815104 (VCV004815104.1).

ClinVar aggregate classification (germline): Likely pathogenic (1 of 4 stars; one submission).

Conditions:
Hemochromatosis type 3 (HFE3). Also called: HEMOCHROMATOSIS DUE TO DEFECT IN TRANSFERRIN RECEPTOR 2; Hereditary hemochromatosis type 3; TFR2-Related Hemochromatosis. Identifiers: Orphanet 225123, MedGen C1858664, MONDO:0011417, OMIM 604250.

Submission:

Natera, Inc.
Classification: Likely pathogenic for Hereditary hemochromatosis type 3. Last evaluated: 2024-09-26. Review status: criteria provided, single submitter. Criteria: Natera Variant Classification Schema (03/2026). Collection method: clinical testing. Allele origin: germline.
Comment: The c.2277dup variant in TFR2 is a frameshift variant predicted to shift the reading frame beginning at codon 760 and leads to a stop codon 32 codons downstream. This variant is expected to result in nonsense mediated decay, truncation, or a dysfunctional protein product. This variant is rare in the general population with a frequency below the threshold expected for the associated phenotype(s). Given the available evidence, this variant is classified as Likely Pathogenic.